The following is an entry in ClinVar:

ClinVar aggregate classification (germline): Uncertain significance (1 of 4 stars; one submission).

Submission:

GeneDx
Classification: Uncertain significance. Last evaluated: 2024-08-02. Review status: criteria provided, single submitter. Criteria: GeneDx Variant Classification Process June 2021. Collection method: clinical testing. Allele origin: germline. Affected: yes.
Comment: Not observed at significant frequency in large population cohorts (gnomAD); In silico analysis indicates that this missense variant does not alter protein structure/function; Has not been previously published as pathogenic or benign to our knowledge

NM_031407.7(HUWE1):c.8083A>G (p.Lys2695Glu)

Gene: HUWE1 (HECT, UBA and WWE domain containing E3 ubiquitin protein ligase 1; minus strand). Cytogenetic location: Xp11.22.
Variant type: single nucleotide variant.
Coding change: c.8083A>G on transcript NM_031407.7 (MANE Select); coding-DNA position 8083, A replaced by G.
Protein change: p.Lys2695Glu; replaces lysine 2695 with glutamic acid.
Molecular consequence: missense variant.
Genome position (GRCh38, 1-based): chrX:53,558,732, T>C on the plus strand (A>G on the coding strand, the complement: HUWE1 is on the minus strand). VCF-style: chrX-53558732-T-C. GRCh37 (hg19) VCF-style: chrX-53585693-T-C.
Other names: short protein forms K2695E.
Identifiers: ClinVar variation 3602167 (VCV003602167.1).
Genomic context (GRCh38, chrX:53,558,732, plus strand): 5'-TGTTCTCCTTATCTTCTTTGCCTTTATCAGTTATCTTTGTTTCTTCCTCAGCCAGTTGTT[T>C]CCTGCGCTTCTCTCGCCTTTCTTCCAGCTCCTCATCCCTCAGGAATTCCAGGTGATTGAC-3'
Protein context (NP_113584.3, residues 2685-2705): ELEERREKRR[Lys2695Glu]QLAEEETKIT